The following is an entry in ClinVar:

NM_006031.6(PCNT):c.6095C>T (p.Ser2032Leu)

Gene: PCNT (pericentrin; plus strand). Cytogenetic location: 21q22.3.
Variant type: single nucleotide variant.
Coding change: c.6095C>T on transcript NM_006031.6 (MANE Select); coding-DNA position 6095, C replaced by T.
Protein change: p.Ser2032Leu; replaces serine 2032 with leucine.
Molecular consequence: missense variant.
Genome position (GRCh38, 1-based): chr21:46,412,937, C>T. VCF-style: chr21-46412937-C-T. GRCh37 (hg19) VCF-style: chr21-47832851-C-T.
Other names: c.5741C>T, p.Ser1914Leu (NM_001315529.2); short protein forms S2032L, S1914L.
Identifiers: ClinVar variation 1936956 (VCV001936956.4), dbSNP rs375834635, ClinGen allele CA10080199.

ClinVar aggregate classification (germline): Uncertain significance. Review status: criteria provided, multiple submitters, no conflicts (2 of 4 stars). 3 submissions from 3 submitters: Uncertain significance (2). 1 of the submissions does not count toward it. Last evaluated 2022-05-28.

Conditions:
Inborn genetic diseases. Identifiers: MedGen C0950123, MeSH D030342.
PCNT-related disorder. Also called: PCNT-related condition.

Allele frequency attached by ClinVar (database versions not stated): gnomAD 0.00001; gnomAD exomes 0.00001; ExAC 0.00002; TOPMed 0.00002; ESP Exome Variant Server 0.00015.
gnomAD v4.1: 19 of 1,611,634 alleles (0.0012%); highest among the groups gnomAD compares: Middle Eastern, 0.016%; no homozygotes.

Submissions (3):

Labcorp Genetics (formerly Invitae), Labcorp
Classification: Uncertain significance. Last evaluated: 2022-05-28. Review status: criteria provided, single submitter. Criteria: Invitae Variant Classification Sherloc (09022015). Collection method: clinical testing. Allele origin: germline.
Comment: This sequence change replaces serine, which is neutral and polar, with leucine, which is neutral and non-polar, at codon 2032 of the PCNT protein (p.Ser2032Leu). This variant is present in population databases (rs375834635, gnomAD 0.003%). This variant has not been reported in the literature in individuals affected with PCNT-related conditions. Algorithms developed to predict the effect of missense changes on protein structure and function (SIFT, PolyPhen-2, Align-GVGD) all suggest that this variant is likely to be tolerated. In summary, the available evidence is currently insufficient to determine the role of this variant in disease. Therefore, it has been classified as a Variant of Uncertain Significance.

Ambry Genetics
Classification: Uncertain significance for Inborn genetic diseases. Last evaluated: 2022-02-03. Review status: criteria provided, single submitter. Criteria: Ambry Variant Classification Scheme 2023. Collection method: clinical testing. Allele origin: germline.

PreventionGenetics, part of Exact Sciences
Classification: Uncertain significance for PCNT-related condition. Last evaluated: 2024-04-03. Review status: no assertion criteria provided. Collection method: clinical testing. Allele origin: germline. Not counted in ClinVar's aggregate classification.
Comment: The PCNT c.6095C>T variant is predicted to result in the amino acid substitution p.Ser2032Leu. To our knowledge, this variant has not been reported in the literature. This variant is reported in 0.0033% of alleles in individuals of South Asian descent in gnomAD. At this time, the clinical significance of this variant is uncertain due to the absence of conclusive functional and genetic evidence.